The following is an entry in ClinVar:

ClinVar aggregate classification (germline): Uncertain significance (1 of 4 stars; one submission).

gnomAD v4.1: 2 of 1,613,526 alleles (0.00012%); highest among the groups gnomAD compares: Non-Finnish European, 0.00017%; no homozygotes.

Submission:

Ambry Genetics
Classification: Uncertain significance. Last evaluated: 2025-03-08. Review status: criteria provided, single submitter. Criteria: Ambry Variant Classification Scheme 2023. Collection method: clinical testing. Allele origin: germline.
Comment: The p.L1220F variant (also known as c.3660G>T), located in coding exon 15 of the WNK2 gene, results from a G to T substitution at nucleotide position 3660. The leucine at codon 1220 is replaced by phenylalanine, an amino acid with highly similar properties. This amino acid position is conserved. In addition, the in silico prediction for this alteration is inconclusive. Based on the available evidence, the clinical significance of this variant remains unclear.

NM_006648.4(WNK2):c.3660G>T (p.Leu1220Phe)

Gene: WNK2 (WNK lysine deficient protein kinase 2; plus strand). Cytogenetic location: 9q22.31.
Variant type: single nucleotide variant.
Coding change: c.3660G>T on transcript NM_006648.4 (MANE Select); coding-DNA position 3660, G replaced by T.
Protein change: p.Leu1220Phe; replaces leucine 1220 with phenylalanine.
Molecular consequence: missense variant.
Genome position (GRCh38, 1-based): chr9:93,263,997, G>T. VCF-style: chr9-93263997-G-T. GRCh37 (hg19) VCF-style: chr9-96026279-G-T.
Other names: c.3660G>T, p.Leu1220Phe (NM_001282394.3); short protein forms L1220F.
Identifiers: ClinVar variation 3817242 (VCV003817242.1).